The following is an entry in ClinVar:

ClinVar aggregate classification (germline): Uncertain significance. Review status: criteria provided, multiple submitters, no conflicts (2 of 4 stars). 2 submissions from 2 submitters: Uncertain significance (2). Last evaluated 2017-01-28.

Conditions:
Emery-Dreifuss muscular dystrophy 5, autosomal dominant (EDMD5). Also called: EMERY-DREIFUSS MUSCULAR DYSTROPHY 5. Identifiers: Orphanet 261, MedGen C2751805, MONDO:0013072, OMIM 612999.

Allele frequency attached by ClinVar (database versions not stated): gnomAD exomes below 0.00001.
gnomAD v4.1: 1 of 1,614,184 alleles (0.000062%); highest among the groups gnomAD compares: Non-Finnish European, 0.000085%; no homozygotes.

Submissions (2):

Labcorp Genetics (formerly Invitae), Labcorp
Classification: Uncertain significance for Emery-Dreifuss muscular dystrophy 5, autosomal dominant. Last evaluated: 2017-01-28. Review status: criteria provided, single submitter. Criteria: Invitae Variant Classification Sherloc (09022015). Collection method: clinical testing. Allele origin: germline.
Comment: In summary, this variant is a rare missense change that is not predicted to affect protein function. There is no indication that it causes disease, but the available evidence is currently insufficient to prove that conclusively. Therefore, it has been classified as a Variant of Uncertain Significance. Algorithms developed to predict the effect of missense changes on protein structure and function output the following: (SIFT: "Tolerated"; PolyPhen-2: "Benign"; Align-GVGD: "Class C0"). The lysine amino acid residue is found in multiple mammalian species, suggesting that this missense change does not adversely affect protein function. These predictions have not been confirmed by published functional studies. This variant is not present in population databases (ExAC no frequency) and has not been reported in the literature in individuals with a SYNE2-related disease. ClinVar contains an entry for this variant (Variation ID: 282544). This sequence change replaces arginine with lysine at codon 4080 of the SYNE2 protein (p.Arg4080Lys). The arginine residue is weakly conserved and there is a small physicochemical difference between arginine and lysine.

Eurofins Ntd Llc (ga)
Classification: Uncertain significance. Last evaluated: 2015-08-14. Review status: criteria provided, single submitter. Criteria: EGL Classification Definitions 2015. Collection method: clinical testing. Allele origin: germline. Observed: 1 variant allele, 1 heterozygote.

NM_182914.3(SYNE2):c.12239G>A (p.Arg4080Lys)

Gene: SYNE2 (spectrin repeat containing nuclear envelope protein 2; plus strand). Cytogenetic location: 14q23.2.
Variant type: single nucleotide variant.
Coding change: c.12239G>A on transcript NM_182914.3 (MANE Select); coding-DNA position 12239, G replaced by A.
Protein change: p.Arg4080Lys; replaces arginine 4080 with lysine.
Molecular consequence: missense variant.
Genome position (GRCh38, 1-based): chr14:64,098,079, G>A. VCF-style: chr14-64098079-G-A. GRCh37 (hg19) VCF-style: chr14-64564797-G-A.
Other names: c.12239G>A, p.Arg4080Lys (NM_015180.6); short protein forms R4080K.
Identifiers: ClinVar variation 282544 (VCV000282544.12), dbSNP rs886042419, ClinGen allele CA10604214.